The following is an entry in ClinVar:

ClinVar aggregate classification (germline): Uncertain significance (1 of 4 stars; one submission).

Conditions:
Wilson disease (WND). Also called: Wilson's disease. Identifiers: Orphanet 905, MedGen C0019202, MONDO:0010200, OMIM 277900. Disease mechanism: loss of function.

gnomAD v4.1: 2 of 1,613,990 alleles (0.00012%); highest among the groups gnomAD compares: Non-Finnish European, 0.00017%; no homozygotes.

Submission:

All of Us Research Program, National Institutes of Health
Classification: Uncertain significance for Wilson disease. Last evaluated: 2024-09-23. Review status: criteria provided, single submitter. Criteria: ACMG Guidelines, 2015. Collection method: clinical testing. Allele origin: germline. Inheritance: Autosomal recessive inheritance. Observed: 1 variant allele, 1 heterozygote.
Comment: This study involves interpretation of variants in research participants for the purpose of population health screening. Participant phenotype was not available at the time of variant classification. Additional details can be found in publication PMID: 35346344, PMCID: PMC8962531

NM_000053.4(ATP7B):c.1589T>C (p.Ile530Thr)

Gene: ATP7B (ATPase copper transporting beta; minus strand). Cytogenetic location: 13q14.3.
Variant type: single nucleotide variant.
Coding change: c.1589T>C on transcript NM_000053.4 (MANE Select); coding-DNA position 1589, T replaced by C.
Protein change: p.Ile530Thr; replaces isoleucine 530 with threonine.
Molecular consequence: missense variant. On other transcripts: intron variant (1).
Genome position (GRCh38, 1-based): chr13:51,968,562, A>G on the plus strand (T>C on the coding strand, the complement: ATP7B is on the minus strand). VCF-style: chr13-51968562-A-G. GRCh37 (hg19) VCF-style: chr13-52542698-A-G.
Other names: c.1589T>C, p.Ile530Thr (NM_001330578.2, NM_001330579.2, NM_001406511.1 and 26 more transcripts); c.1556T>C, p.Ile519Thr (NM_001406514.1, NM_001406524.1); c.1493T>C, p.Ile498Thr (NM_001406517.1, NM_001406518.1, NM_001406530.1 and 3 more transcripts); c.1160T>C, p.Ile387Thr (NM_001406539.1); c.1256T>C, p.Ile419Thr (NM_001243182.2); c.1285+5373T>C (NM_001406548.1); short protein forms I387T, I419T, I498T, I519T, I530T.
Identifiers: ClinVar variation 3385602 (VCV003385602.1).